The following is an entry in ClinVar:

NM_002471.4(MYH6):c.4576C>T (p.His1526Tyr)

Gene: MYH6 (myosin heavy chain 6; minus strand). Cytogenetic location: 14q11.2.
Variant type: single nucleotide variant.
Coding change: c.4576C>T on transcript NM_002471.4 (MANE Select); coding-DNA position 4576, C replaced by T.
Protein change: p.His1526Tyr; replaces histidine 1526 with tyrosine.
Molecular consequence: missense variant.
Genome position (GRCh38, 1-based): chr14:23,387,603, G>A on the plus strand (C>T on the coding strand, the complement: MYH6 is on the minus strand). VCF-style: chr14-23387603-G-A. GRCh37 (hg19) VCF-style: chr14-23856812-G-A.
Other names: short protein forms H1526Y.
Identifiers: ClinVar variation 3685523 (VCV003685523.2).

ClinVar aggregate classification (germline): Uncertain significance (1 of 4 stars; one submission).

Conditions:
Hypertrophic cardiomyopathy 14. Identifiers: MedGen C2750467, MONDO:0013197, OMIM 613251.

gnomAD v4.1: 1 of 1,614,108 alleles (0.000062%); no homozygotes.

Submission:

Labcorp Genetics (formerly Invitae), Labcorp
Classification: Uncertain significance for Hypertrophic cardiomyopathy 14. Last evaluated: 2024-05-20. Review status: criteria provided, single submitter. Criteria: Invitae Variant Classification Sherloc (09022015). Collection method: clinical testing. Allele origin: germline.
Comment: This sequence change replaces histidine, which is basic and polar, with tyrosine, which is neutral and polar, at codon 1526 of the MYH6 protein (p.His1526Tyr). This variant is not present in population databases (gnomAD no frequency). This variant has not been reported in the literature in individuals affected with MYH6-related conditions. Advanced modeling of protein sequence and biophysical properties (such as structural, functional, and spatial information, amino acid conservation, physicochemical variation, residue mobility, and thermodynamic stability) performed at Invitae indicates that this missense variant is expected to disrupt MYH6 protein function with a positive predictive value of 80%. In summary, the available evidence is currently insufficient to determine the role of this variant in disease. Therefore, it has been classified as a Variant of Uncertain Significance.